The following is an entry in ClinVar:

ClinVar aggregate classification (germline): Likely pathogenic (1 of 4 stars; one submission).

Conditions:
Developmental and epileptic encephalopathy, 54. Also called: HNRNPU-Related Neurodevelopmental Disorder; Epileptic encephalopathy, early infantile, 54. Identifiers: MedGen C4479319, MONDO:0033363, OMIM 617391.

Submission:

Labcorp Genetics (formerly Invitae), Labcorp
Classification: Likely pathogenic for Developmental and epileptic encephalopathy, 54. Last evaluated: 2020-01-16. Review status: criteria provided, single submitter. Criteria: Invitae Variant Classification Sherloc (09022015). Collection method: clinical testing. Allele origin: germline.
Comment: In summary, the currently available evidence indicates that the variant is pathogenic, but additional data are needed to prove that conclusively. Therefore, this variant has been classified as Likely Pathogenic. Donor and acceptor splice site variants typically lead to a loss of protein function (PMID: 16199547), and loss-of-function variants in HNRNPU are known to be pathogenic (PMID: 22678713, 28283832). Algorithms developed to predict the effect of sequence changes on RNA splicing suggest that this variant may disrupt the consensus splice site, but this prediction has not been confirmed by published transcriptional studies. This variant has not been reported in the literature in individuals with HNRNPU-related conditions. This variant is not present in population databases (ExAC no frequency). This sequence change affects an acceptor splice site in intron 11 of the HNRNPU gene. It is expected to disrupt RNA splicing and likely results in an absent or disrupted protein product.

Literature cited by the submitters: PubMed 16199547; PubMed 22678713; PubMed 28283832.

NM_031844.3(HNRNPU):c.2168-1del

Gene: HNRNPU (heterogeneous nuclear ribonucleoprotein U; minus strand). Cytogenetic location: 1q44.
Variant type: Deletion.
Coding change: c.2168-1del on transcript NM_031844.3 (MANE Select); the canonical splice acceptor site of the intron before coding-DNA position 2168, one base deleted (G; older notation c.2168-1delG).
Molecular consequence: splice acceptor variant.
Genome position (GRCh38, 1-based): chr1:244,855,609, C deleted on the plus strand (G on the coding strand, the reverse complement: HNRNPU is on the minus strand). VCF-style (leftmost placement, unchanged base first): chr1-244855608-GC-G. GRCh37 (hg19) VCF-style: chr1-245018910-GC-G.
Other names: c.2111-1del (NM_004501.3).
Identifiers: ClinVar variation 1066270 (VCV001066270.47), dbSNP rs2102985115, ClinGen allele CA2499214647.